The following is an entry in ClinVar:

ClinVar aggregate classification (germline): Uncertain significance (1 of 4 stars; one submission).

Conditions:
Hereditary cancer-predisposing syndrome. Also called: Tumor predisposition; Hereditary Cancer Syndrome; Hereditary neoplastic syndrome; Neoplastic Syndromes, Hereditary. Identifiers: Orphanet 140162, MedGen C0027672, MeSH D009386, MONDO:0015356.

Submission:

Ambry Genetics
Classification: Uncertain significance for Hereditary cancer-predisposing syndrome. Last evaluated: 2024-04-29. Review status: criteria provided, single submitter. Criteria: Ambry Variant Classification Scheme 2023. Collection method: clinical testing. Allele origin: germline.
Comment: The p.D19V variant (also known as c.56A>T), located in coding exon 2 of the PMS2 gene, results from an A to T substitution at nucleotide position 56. The aspartic acid at codon 19 is replaced by valine, an amino acid with highly dissimilar properties. This amino acid position is conserved. In addition, this alteration is predicted to be deleterious by in silico analysis. Based on the available evidence, the clinical significance of this variant remains unclear.

NM_000535.7(PMS2):c.56A>T (p.Asp19Val)

Gene: PMS2 (PMS1 homolog 2, mismatch repair system component; minus strand). Cytogenetic location: 7p22.1.
Variant type: single nucleotide variant.
Coding change: c.56A>T on transcript NM_000535.7 (MANE Select); coding-DNA position 56, A replaced by T.
Protein change: p.Asp19Val; replaces aspartic acid 19 with valine.
Molecular consequence: missense variant. On other transcripts: intron variant (7), 5 prime UTR variant (38), non-coding transcript variant (1).
Genome position (GRCh38, 1-based): chr7:6,005,999, T>A on the plus strand (A>T on the coding strand, the complement: PMS2 is on the minus strand). VCF-style: chr7-6005999-T-A. GRCh37 (hg19) VCF-style: chr7-6045630-T-A.
Other names: c.-321-1941A>T (NM_001406879.1); c.-429A>T (NM_001406882.1, NM_001406875.1, NM_001406877.1 and 2 more transcripts); c.-160A>T (NM_001406883.1, NM_001406896.1, NM_001406901.1 and 4 more transcripts); c.56A>T, p.Asp19Val (NM_001406884.1, NM_001406885.1, NM_001406886.1 and 10 more transcripts); c.-350A>T (NM_001406887.1, NM_001406891.1, NM_001406893.1 and 10 more transcripts); c.-297A>T (NM_001406888.1, NM_001406889.1, NM_001406892.1 and 5 more transcripts); c.-340A>T (NM_001406890.1); c.-326A>T (NM_001406900.1); and 7 more; short protein forms D19V, D81V.
Identifiers: ClinVar variation 3308100 (VCV003308100.1).